The following is an entry in ClinVar:

ClinVar aggregate classification (germline): Uncertain significance (1 of 4 stars; one submission).

Conditions:
Hereditary factor IX deficiency disease (HEMB). Also called: PLASMA THROMBOPLASTIN COMPONENT DEFICIENCY; Hemophilia B; Christmas Disease; F9 DEFICIENCY; FACTOR IX DEFICIENCY. Identifiers: Orphanet 98879, MedGen C0008533, MeSH D002836, MONDO:0010604, OMIM 306900.

gnomAD v4.1: 6 of 1,211,036 alleles (0.0005%); highest among the groups gnomAD compares: South Asian, 0.0088%; no homozygotes.

Submission:

Myriad Genetics, Inc.
Classification: Uncertain significance for Hereditary factor IX deficiency disease. Last evaluated: 2025-07-28. Review status: criteria provided, single submitter. Criteria: Myriad Autosomal Dominant, Autosomal Recessive and X-Linked Classification Criteria (2023). Collection method: clinical testing. Allele origin: unknown.
Comment: NM_000133.3(F9):c.195G>A(M65I) is a missense variant classified as a variant of uncertain significance in the context of hemophilia B. M65I has been observed in a case with relevant disease (PMID: 34880139). Relevant functional assessments of this variant are not available in the literature. M65I has been observed in referenced population frequency databases. In summary, there is insufficient evidence to classify NM_000133.3(F9):c.195G>A(M65I) as pathogenic or benign. Please note: this variant was assessed in the context of healthy population screening.

Literature cited by the submitters: PubMed 34880139.

NM_000133.4(F9):c.195G>A (p.Met65Ile)

Gene: F9 (coagulation factor IX; plus strand). Cytogenetic location: Xq27.1.
Variant type: single nucleotide variant.
Coding change: c.195G>A on transcript NM_000133.4 (MANE Select); coding-DNA position 195, G replaced by A.
Protein change: p.Met65Ile; replaces methionine 65 with isoleucine.
Molecular consequence: missense variant.
Genome position (GRCh38, 1-based): chrX:139,537,116, G>A. VCF-style: chrX-139537116-G-A. GRCh37 (hg19) VCF-style: chrX-138619275-G-A.
Other names: c.195G>A, p.Met65Ile (NM_001313913.2); short protein forms M65I.
Identifiers: ClinVar variation 5004021 (VCV005004021.1).